The following is an entry in ClinVar:

NM_001330700.2(TOP2B):c.1880A>C (p.Lys627Thr)

Gene: TOP2B (DNA topoisomerase II beta; minus strand). Cytogenetic location: 3p24.2.
Variant type: single nucleotide variant.
Coding change: c.1880A>C on transcript NM_001330700.2 (MANE Select); coding-DNA position 1880, A replaced by C.
Protein change: p.Lys627Thr; replaces lysine 627 with threonine.
Molecular consequence: missense variant.
Genome position (GRCh38, 1-based): chr3:25,628,873, T>G on the plus strand (A>C on the coding strand, the complement: TOP2B is on the minus strand). VCF-style: chr3-25628873-T-G. GRCh37 (hg19) VCF-style: chr3-25670364-T-G.
Other names: c.1865A>C, p.Lys622Thr (NM_001068.3); short protein forms K627T, K622T.
Identifiers: ClinVar variation 4734920 (VCV004734920.1).

ClinVar aggregate classification (germline): Uncertain significance (1 of 4 stars; one submission).

Submission:

Labcorp Genetics (formerly Invitae), Labcorp
Classification: Uncertain significance. Last evaluated: 2026-01-08. Review status: criteria provided, single submitter. Criteria: Invitae Variant Classification Sherloc (09022015). Collection method: clinical testing. Allele origin: germline.
Comment: This sequence change replaces lysine, which is basic and polar, with threonine, which is neutral and polar, at codon 622 of the TOP2B protein (p.Lys622Thr). This variant is not present in population databases (gnomAD no frequency). This variant has not been reported in the literature in individuals affected with TOP2B-related conditions. An algorithm developed to predict the effect of missense changes on protein structure and function (PolyPhen-2) suggests that this variant is likely to be tolerated. In summary, the available evidence is currently insufficient to determine the role of this variant in disease. Therefore, it has been classified as a Variant of Uncertain Significance.